The following is an entry in ClinVar:

ClinVar aggregate classification (germline): Likely benign (0 of 4 stars; one submission).

Conditions:
CEBPA-related disorder. Also called: CEBPA-related condition.

Submission:

PreventionGenetics, part of Exact Sciences
Classification: Likely benign for CEBPA-related condition. Last evaluated: 2020-10-06. Review status: no assertion criteria provided. Collection method: clinical testing. Allele origin: germline.
Comment: This variant is classified as likely benign based on ACMG/AMP sequence variant interpretation guidelines (Richards et al. 2015 PMID: 25741868, with internal and published modifications).

NM_004364.5(CEBPA):c.735C>G (p.Gly245=)

Gene: CEBPA (CCAAT enhancer binding protein alpha; minus strand). Cytogenetic location: 19q13.11.
Variant type: single nucleotide variant.
Coding change: c.735C>G on transcript NM_004364.5 (MANE Select); coding-DNA position 735, C replaced by G.
Protein change: p.Gly245=; no amino-acid change (glycine 245 retained).
Molecular consequence: synonymous variant.
Genome position (GRCh38, 1-based): chr19:33,301,680, G>C on the plus strand (C>G on the coding strand, the complement: CEBPA is on the minus strand). VCF-style: chr19-33301680-G-C. GRCh37 (hg19) VCF-style: chr19-33792586-G-C.
Other names: c.378C>G, p.Gly126= (NM_001285829.2); c.840C>G, p.Gly280= (NM_001287424.2); c.693C>G, p.Gly231= (NM_001287435.2).
Identifiers: ClinVar variation 3060926 (VCV003060926.2), dbSNP rs925688689, ClinGen allele CA507007148.